The following is an entry in ClinVar:

NM_001572.5(IRF7):c.394+5G>C

Gene: IRF7 (interferon regulatory factor 7; minus strand). Cytogenetic location: 11p15.5.
Variant type: single nucleotide variant.
Coding change: c.394+5G>C on transcript NM_001572.5 (MANE Select); 5 bases into the intron after coding-DNA position 394, G replaced by C.
Molecular consequence: intron variant.
Genome position (GRCh38, 1-based): chr11:614,792, C>G on the plus strand (G>C on the coding strand, the complement: IRF7 is on the minus strand). VCF-style: chr11-614792-C-G. GRCh37 (hg19) VCF-style: chr11-614792-C-G.
Other names: c.394+5G>C (NM_004029.4); c.433+5G>C (NM_004031.4).
Identifiers: ClinVar variation 2171909 (VCV002171909.4), dbSNP rs1306091016, ClinGen allele CA678925554.

ClinVar aggregate classification (germline): Uncertain significance (1 of 4 stars; one submission).

Conditions:
Immunodeficiency 39 (IMD39). Identifiers: Orphanet 574918, MedGen C4225358, MONDO:0014597, OMIM 616345.

Allele frequency attached by ClinVar (database versions not stated): gnomAD 0.00001; TOPMed 0.00002.
gnomAD v4.1: 3 of 1,533,618 alleles (0.0002%); highest among the groups gnomAD compares: African/African-American, 0.0014%; no homozygotes.

Submission:

Labcorp Genetics (formerly Invitae), Labcorp
Classification: Uncertain significance for Immunodeficiency 39. Last evaluated: 2022-05-06. Review status: criteria provided, single submitter. Criteria: Invitae Variant Classification Sherloc (09022015). Collection method: clinical testing. Allele origin: germline.
Comment: This sequence change falls in intron 2 of the IRF7 gene. It does not directly change the encoded amino acid sequence of the IRF7 protein. It affects a nucleotide within the consensus splice site. This variant has not been reported in the literature in individuals affected with IRF7-related conditions. This variant is not present in population databases (gnomAD no frequency). In summary, the available evidence is currently insufficient to determine the role of this variant in disease. Therefore, it has been classified as a Variant of Uncertain Significance. Variants that disrupt the consensus splice site are a relatively common cause of aberrant splicing (PMID: 17576681, 9536098). Algorithms developed to predict the effect of sequence changes on RNA splicing suggest that this variant may create or strengthen a splice site.

Literature cited by the submitters: PubMed 17576681; PubMed 9536098.